The following is an entry in ClinVar:

NM_006015.6(ARID1A):c.1522C>T (p.Pro508Ser)

Gene: ARID1A (AT-rich interaction domain 1A; plus strand). Cytogenetic location: 1p36.11.
Variant type: single nucleotide variant.
Coding change: c.1522C>T on transcript NM_006015.6 (MANE Select); coding-DNA position 1522, C replaced by T.
Protein change: p.Pro508Ser; replaces proline 508 with serine.
Molecular consequence: missense variant.
Genome position (GRCh38, 1-based): chr1:26,731,323, C>T. VCF-style: chr1-26731323-C-T. GRCh37 (hg19) VCF-style: chr1-27057814-C-T.
Other names: c.1522C>T, p.Pro508Ser (NM_139135.4); short protein forms P508S.
Identifiers: ClinVar variation 1709078 (VCV001709078.2), dbSNP rs770551517, ClinGen allele CA706792.
Genomic context (GRCh38, chr1:26,731,323, plus strand): 5'-CAACCACCGTCCCAGACCCCTCATGCCCAACCTTCGTATCAGCAGCAGCCACAGTCTCAA[C>T]CACCACAGCTCCAGTCCTCTCAGCCTCCATACTCCCAGCAGCCATCCCAGCCTCCACATC-3'
Protein context (NP_006006.3, residues 498-518): PSYQQQPQSQ[Pro508Ser]PQLQSSQPPY

ClinVar aggregate classification (germline): Uncertain significance (1 of 4 stars; one submission).

Conditions:
Intellectual disability, autosomal dominant 14 (CSS2). Also called: COFFIN-SIRIS SYNDROME 2. Identifiers: Orphanet 1465, MedGen C3553247, MONDO:0013819, OMIM 614607.

Allele frequency attached by ClinVar (database versions not stated): ExAC 0.00001; gnomAD 0.00001; gnomAD exomes 0.00001.

Submission:

MGZ Medical Genetics Center
Classification: Uncertain significance for Intellectual disability, autosomal dominant 14. Last evaluated: 2022-02-03. Review status: criteria provided, single submitter. Criteria: ACMG Guidelines, 2015. Collection method: clinical testing. Allele origin: germline. Affected: yes. Observed: 1 variant allele.
Comment: ACMG criteria applied: PM2_SUP, PP1, BP4